The following is an entry in ClinVar:

ClinVar aggregate classification (germline): Uncertain significance (1 of 4 stars; one submission).

gnomAD v4.1: 1 of 1,614,100 alleles (0.000062%); highest among the groups gnomAD compares: South Asian, 0.0011%; no homozygotes.

Submission:

Ambry Genetics
Classification: Uncertain significance. Last evaluated: 2026-03-14. Review status: criteria provided, single submitter. Criteria: Ambry Variant Classification Scheme 2023. Collection method: clinical testing. Allele origin: germline.
Comment: The p.Y294N variant (also known as c.880T>A), located in coding exon 7 of the RINT1 gene, results from a T to A substitution at nucleotide position 880. The tyrosine at codon 294 is replaced by asparagine, an amino acid with dissimilar properties. This amino acid position is conserved. In addition, the in silico prediction for this alteration is inconclusive. Based on the available evidence, the clinical significance of this variant remains unclear.

NM_021930.6(RINT1):c.880T>A (p.Tyr294Asn)

Gene: RINT1 (RAD50 interactor 1; plus strand). Cytogenetic location: 7q22.3.
Variant type: single nucleotide variant.
Coding change: c.880T>A on transcript NM_021930.6 (MANE Select); coding-DNA position 880, T replaced by A.
Protein change: p.Tyr294Asn; replaces tyrosine 294 with asparagine.
Molecular consequence: missense variant. On other transcripts: 5 prime UTR variant (2), non-coding transcript variant (1), intron variant (1).
Genome position (GRCh38, 1-based): chr7:105,548,594, T>A. VCF-style: chr7-105548594-T-A. GRCh37 (hg19) VCF-style: chr7-105189041-T-A.
Other names: c.646T>A, p.Tyr216Asn (NM_001346599.2); c.-140T>A (NM_001346600.2); c.-45T>A (NM_001346601.2); c.-27-1461T>A (NM_001346603.2); short protein forms Y216N, Y294N.
Identifiers: ClinVar variation 4825989 (VCV004825989.1).